The following is an entry in ClinVar:

ClinVar aggregate classification (germline): Uncertain significance (1 of 4 stars; one submission).

Allele frequency attached by ClinVar (database versions not stated): 1000 Genomes Project 0.00020; gnomAD 0.00001; 1000 Genomes Project 30x 0.00016; ExAC 0.00005; TOPMed below 0.00001.
gnomAD v4.1: 29 of 1,609,860 alleles (0.0018%); highest among the groups gnomAD compares: South Asian, 0.023%; no homozygotes.

Submission:

Labcorp Genetics (formerly Invitae), Labcorp
Classification: Uncertain significance. Last evaluated: 2022-05-31. Review status: criteria provided, single submitter. Criteria: Invitae Variant Classification Sherloc (09022015). Collection method: clinical testing. Allele origin: germline.
Comment: This sequence change replaces asparagine, which is neutral and polar, with serine, which is neutral and polar, at codon 504 of the TRAP1 protein (p.Asn504Ser). This variant is present in population databases (rs558641765, gnomAD 0.02%). This variant has not been reported in the literature in individuals affected with TRAP1-related conditions. Algorithms developed to predict the effect of missense changes on protein structure and function output the following: SIFT: "Tolerated"; PolyPhen-2: "Benign"; Align-GVGD: "Class C0". The serine amino acid residue is found in multiple mammalian species, which suggests that this missense change does not adversely affect protein function. In summary, the available evidence is currently insufficient to determine the role of this variant in disease. Therefore, it has been classified as a Variant of Uncertain Significance.

NM_016292.3(TRAP1):c.1511A>G (p.Asn504Ser)

Genes: DNASE1 (deoxyribonuclease 1; plus strand), TRAP1 (TNF receptor associated protein 1; minus strand). Cytogenetic location: 16p13.3.
Variant type: single nucleotide variant.
Coding change: c.1511A>G on transcript NM_016292.3 (MANE Select); coding-DNA position 1511, A replaced by G.
Protein change: p.Asn504Ser; replaces asparagine 504 with serine.
Molecular consequence: missense variant. On other transcripts: 3 prime UTR variant (1).
Genome position (GRCh38, 1-based): chr16:3,664,332, T>C on the plus strand (A>G on the coding strand, the complement: TRAP1 is on the minus strand). VCF-style: chr16-3664332-T-C. GRCh37 (hg19) VCF-style: chr16-3714333-T-C.
Other names: c.1352A>G, p.Asn451Ser (NM_001272049.2); c.*1708T>C (NM_001387140.1); short protein forms N451S, N504S.
Identifiers: ClinVar variation 1947906 (VCV001947906.4), dbSNP rs558641765, ClinGen allele CA7868054.